The following is an entry in ClinVar:

NM_000287.4(PEX6):c.1480-5C>T

Gene: PEX6 (peroxisomal biogenesis factor 6; minus strand). Cytogenetic location: 6p21.1.
Variant type: single nucleotide variant.
Coding change: c.1480-5C>T on transcript NM_000287.4 (MANE Select); 5 bases into the intron before coding-DNA position 1480, C replaced by T.
Molecular consequence: intron variant.
Genome position (GRCh38, 1-based): chr6:42,968,503, G>A on the plus strand (C>T on the coding strand, the complement: PEX6 is on the minus strand). VCF-style: chr6-42968503-G-A. GRCh37 (hg19) VCF-style: chr6-42936241-G-A.
Other names: c.1216-5C>T (NM_001316313.2).
Identifiers: ClinVar variation 92780 (VCV000092780.52), dbSNP rs376473597, ClinGen allele CA220611.

ClinVar aggregate classification (germline): Benign/Likely benign. Review status: criteria provided, multiple submitters, no conflicts (2 of 4 stars). 13 submissions from 11 submitters: Benign (8); Likely benign (4). 1 of the submissions does not count toward it. Last evaluated 2026-02-02.

Conditions:
Zellweger spectrum disorders (ZS). Also called: Zellweger syndrome; Zellweger Spectrum Disorder; Zellweger Spectrum; Zellweger Spectrum Disorder (ZSD). Identifiers: Orphanet 912, MedGen C0043459, MONDO:0019609.
Peroxisome biogenesis disorder 4A (Zellweger) (PBD4A). Also called: Zellweger syndrome spectrum (PEX6-related). Identifiers: Orphanet 912, MedGen C3553936, MONDO:0013930, OMIM 614862. Disease mechanism: loss of function.
Peroxisome biogenesis disorder 4B (PBD4B). Also called: SPINOCEREBELLAR ATAXIA WITH BLINDNESS AND DEAFNESS 1. Identifiers: Orphanet 44, Orphanet 95433, MedGen C3553937, MONDO:0013931, OMIM 614863.
Heimler syndrome 2 (HMLR2). Also called: PEROXISOME BIOGENESIS DISORDER 4C. Identifiers: Orphanet 3220, MedGen C4225267, OMIM 616617, MONDO:0014709.
Peroxisome biogenesis disorder. Identifiers: Orphanet 79189, MedGen C1832200, MONDO:0019234. Disease mechanism: loss of function.

Allele frequency attached by ClinVar (database versions not stated): gnomAD 0.00126 and 0.00157; ESP Exome Variant Server 0.00147; TOPMed 0.00149; gnomAD exomes 0.00200 and 0.00366; 1000 Genomes Project 0.00240; 1000 Genomes Project 30x 0.00265; ExAC 0.00696.

Submissions (13):

Labcorp Genetics (formerly Invitae), Labcorp
Classification: Benign for Peroxisome biogenesis disorder. Last evaluated: 2026-02-02. Review status: criteria provided, single submitter. Criteria: Invitae Variant Classification Sherloc (09022015). Collection method: clinical testing. Allele origin: germline.

CeGaT Center for Human Genetics Tuebingen
Classification: Benign. Last evaluated: 2025-09-01. Review status: criteria provided, single submitter. Criteria: CeGaT Center For Human Genetics Tuebingen Variant Classification Criteria Version 2. Collection method: clinical testing. Allele origin: germline. Affected: yes. Observed: 7 variant alleles.
Comment: PEX6: BP4, BS1, BS2

ARUP Laboratories, Molecular Genetics and Genomics, ARUP Laboratories
Classification: Benign. Last evaluated: 2024-05-09. Review status: criteria provided, single submitter. Criteria: ARUP Molecular Germline Variant Investigation Process 2024. Collection method: clinical testing. Allele origin: germline.

Fulgent Genetics
Classification: Likely benign for Peroxisome biogenesis disorder 4A (Zellweger); Peroxisome biogenesis disorder 4B; Heimler syndrome 2. Last evaluated: 2022-03-30. Review status: criteria provided, single submitter. Criteria: ACMG Guidelines, 2015. Collection method: clinical testing. Allele origin: unknown.

Genome-Nilou Lab
Classification: Benign for Heimler syndrome 2. Last evaluated: 2021-07-10. Review status: criteria provided, single submitter. Criteria: ACMG Guidelines, 2015. Collection method: clinical testing. Allele origin: germline. Affected: no.

Genome-Nilou Lab
Classification: Benign for Peroxisome biogenesis disorder 4A (Zellweger). Last evaluated: 2021-07-10. Review status: criteria provided, single submitter. Criteria: ACMG Guidelines, 2015. Collection method: clinical testing. Allele origin: germline. Affected: no.

Genome-Nilou Lab
Classification: Benign for Peroxisome biogenesis disorder 4B. Last evaluated: 2021-07-10. Review status: criteria provided, single submitter. Criteria: ACMG Guidelines, 2015. Collection method: clinical testing. Allele origin: germline. Affected: no.

GeneDx
Classification: Likely benign. Last evaluated: 2020-08-03. Review status: criteria provided, single submitter. Criteria: GeneDx Variant Classification Process June 2021. Collection method: clinical testing. Allele origin: germline. Affected: yes.

Athena Diagnostics
Classification: Benign. Last evaluated: 2019-07-17. Review status: criteria provided, single submitter. Criteria: Athena Diagnostics Criteria. Collection method: clinical testing. Allele origin: germline.

Illumina Laboratory Services, Illumina
Classification: Likely benign for Peroxisome biogenesis disorder 4A (Zellweger). Last evaluated: 2018-01-12. Review status: criteria provided, single submitter. Criteria: ICSL Variant Classification Criteria 13 December 2019. Collection method: clinical testing. Allele origin: germline.
Comment: This variant was observed in the ICSL laboratory as part of a predisposition screen in an ostensibly healthy population. It had not been previously curated by ICSL or reported in the Human Gene Mutation Database (HGMD: prior to June 1st, 2018), and was therefore a candidate for classification through an automated scoring system. Utilizing variant allele frequency, disease prevalence and penetrance estimates, and inheritance mode, an automated score was calculated to assess if this variant is too frequent to cause the disease. Based on the score and internal cut-off values, a variant classified as likely benign is not then subjected to further curation. The score for this variant resulted in a classification of likely benign for this disease.

Eurofins Ntd Llc (ga)
Classification: Benign. Last evaluated: 2016-10-24. Review status: criteria provided, single submitter. Criteria: EGL Classification Definitions 2015. Collection method: clinical testing. Allele origin: germline. Observed: 2 variant alleles, 2 heterozygotes.

Breakthrough Genomics
Classification: Likely benign. Review status: criteria provided, single submitter. Criteria: ACMG Guidelines, 2015. Collection method: not provided. Allele origin: germline. Inheritance: Autosomal recessive inheritance. Affected: yes.

Natera, Inc.
Classification: Benign for Zellweger syndrome. Last evaluated: 2020-09-16. Review status: no assertion criteria provided. Collection method: clinical testing. Allele origin: germline. Not counted in ClinVar's aggregate classification.